The following is an entry in ClinVar:

NM_018026.4(PACS1):c.492T>A (p.Ser164Arg)

Gene: PACS1 (phosphofurin acidic cluster sorting protein 1; plus strand). Cytogenetic location: 11q13.2.
Variant type: single nucleotide variant.
Coding change: c.492T>A on transcript NM_018026.4 (MANE Select); coding-DNA position 492, T replaced by A.
Protein change: p.Ser164Arg; replaces serine 164 with arginine.
Molecular consequence: missense variant.
Genome position (GRCh38, 1-based): chr11:66,210,409, T>A. VCF-style: chr11-66210409-T-A. GRCh37 (hg19) VCF-style: chr11-65977880-T-A.
Other names: short protein forms S164R.
Identifiers: ClinVar variation 1700482 (VCV001700482.2), dbSNP rs2134698923, ClinGen allele CA381339367.

ClinVar aggregate classification (germline): Uncertain significance (1 of 4 stars; one submission).

Submission:

GeneDx
Classification: Uncertain significance. Last evaluated: 2022-02-08. Review status: criteria provided, single submitter. Criteria: GeneDx Variant Classification Process June 2021. Collection method: clinical testing. Allele origin: germline. Affected: yes.
Comment: Not observed at significant frequency in large population cohorts (gnomAD); In silico analysis supports that this missense variant has a deleterious effect on protein structure/function; Has not been previously published as pathogenic or benign to our knowledge